The following is an entry in ClinVar:

NM_020297.4(ABCC9):c.535C>A (p.Leu179Ile)

Gene: ABCC9 (ATP binding cassette subfamily C member 9; minus strand). Cytogenetic location: 12p12.1.
Variant type: single nucleotide variant.
Coding change: c.535C>A on transcript NM_020297.4 (MANE Select); coding-DNA position 535, C replaced by A.
Protein change: p.Leu179Ile; replaces leucine 179 with isoleucine.
Molecular consequence: missense variant. On other transcripts: intron variant (1).
Genome position (GRCh38, 1-based): chr12:21,916,975, G>T on the plus strand (C>A on the coding strand, the complement: ABCC9 is on the minus strand). VCF-style: chr12-21916975-G-T. GRCh37 (hg19) VCF-style: chr12-22069909-G-T.
Other names: c.535C>A, p.Leu179Ile (NM_001377273.1, NM_005691.4); c.-48-3909C>A (NM_001377274.1); short protein forms L179I.
Identifiers: ClinVar variation 854455 (VCV000854455.9), dbSNP rs1390484360, ClinGen allele CA384125337.

ClinVar aggregate classification (germline): Uncertain significance (1 of 4 stars; one submission).

Conditions:
Dilated cardiomyopathy 1O (CMD1O). Also called: CARDIOMYOPATHY, DILATED, WITH VENTRICULAR TACHYCARDIA. Identifiers: Orphanet 154, MedGen C1837839, MONDO:0012062, OMIM 608569.

Allele frequency attached by ClinVar (database versions not stated): gnomAD exomes below 0.00001 and 0.00001.
gnomAD v4.1: 4 of 1,613,782 alleles (0.00025%); highest among the groups gnomAD compares: Non-Finnish European, 0.00034%; no homozygotes.

Submission:

Labcorp Genetics (formerly Invitae), Labcorp
Classification: Uncertain significance for Dilated cardiomyopathy 1O. Last evaluated: 2026-01-14. Review status: criteria provided, single submitter. Criteria: Invitae Variant Classification Sherloc (09022015). Collection method: clinical testing. Allele origin: germline.
Comment: This sequence change replaces leucine, which is neutral and non-polar, with isoleucine, which is neutral and non-polar, at codon 179 of the ABCC9 protein (p.Leu179Ile). This variant is present in population databases (no rsID available, gnomAD 0.0009%). This variant has not been reported in the literature in individuals affected with ABCC9-related conditions. ClinVar contains an entry for this variant (Variation ID: 854455). Invitae Evidence Modeling of protein sequence and biophysical properties (such as structural, functional, and spatial information, amino acid conservation, physicochemical variation, residue mobility, and thermodynamic stability) has been performed for this missense variant. However, the output from this modeling did not meet the statistical confidence thresholds required to predict the impact of this variant on ABCC9 protein function. In summary, the available evidence is currently insufficient to determine the role of this variant in disease. Therefore, it has been classified as a Variant of Uncertain Significance.